The following is an entry in ClinVar:

NM_000136.3(FANCC):c.722G>A (p.Cys241Tyr)

Genes: AOPEP (aminopeptidase O (putative); plus strand), FANCC (FA complementation group C; minus strand). Cytogenetic location: 9q22.32.
Variant type: single nucleotide variant.
Coding change: c.722G>A on transcript NM_000136.3 (MANE Select); coding-DNA position 722, G replaced by A.
Protein change: p.Cys241Tyr; replaces cysteine 241 with tyrosine.
Molecular consequence: missense variant.
Genome position (GRCh38, 1-based): chr9:95,135,467, C>T on the plus strand (G>A on the coding strand, the complement: FANCC is on the minus strand). VCF-style: chr9-95135467-C-T. GRCh37 (hg19) VCF-style: chr9-97897749-C-T.
Other names: c.722G>A, p.Cys241Tyr (NM_001243743.2, NM_001243744.2); short protein forms C241Y.
Identifiers: ClinVar variation 1757809 (VCV001757809.2), dbSNP rs1554835113, ClinGen allele CA374109426.

ClinVar aggregate classification (germline): Uncertain significance (1 of 4 stars; one submission).

Conditions:
Hereditary cancer-predisposing syndrome. Also called: Neoplastic Syndromes, Hereditary; Tumor predisposition; Hereditary Cancer Syndrome; Hereditary neoplastic syndrome. Identifiers: Orphanet 140162, MedGen C0027672, MeSH D009386, MONDO:0015356.

Submission:

Ambry Genetics
Classification: Uncertain significance for Hereditary cancer-predisposing syndrome. Last evaluated: 2023-09-27. Review status: criteria provided, single submitter. Criteria: Ambry Variant Classification Scheme 2023. Collection method: clinical testing. Allele origin: germline.
Comment: The p.C241Y variant (also known as c.722G>A), located in coding exon 7 of the FANCC gene, results from a G to A substitution at nucleotide position 722. The cysteine at codon 241 is replaced by tyrosine, an amino acid with highly dissimilar properties. This amino acid position is well conserved in available vertebrate species. In addition, this alteration is predicted to be tolerated by in silico analysis. Since supporting evidence is limited at this time, the clinical significance of this alteration remains unclear.